The following is an entry in ClinVar:

ClinVar aggregate classification (germline): Likely benign. Review status: criteria provided, multiple submitters, no conflicts (2 of 4 stars). 4 submissions from 4 submitters: Likely benign (3). 1 of the submissions does not count toward it. Last evaluated 2026-01-14.

Conditions:
P3H1-related disorder. Also called: P3H1-related condition.
Osteogenesis imperfecta type 8 (OI8). Identifiers: MedGen C1970458, MONDO:0012581, OMIM 610915.

Allele frequency attached by ClinVar (database versions not stated): ExAC 0.00011; gnomAD exomes 0.00011 and 0.00015; ESP Exome Variant Server 0.00015; gnomAD 0.00017 and 0.00019; TOPMed 0.00019.

Submissions (4):

Labcorp Genetics (formerly Invitae), Labcorp
Classification: Likely benign for Osteogenesis imperfecta type 8. Last evaluated: 2026-01-14. Review status: criteria provided, single submitter. Criteria: Invitae Variant Classification Sherloc (09022015). Collection method: clinical testing. Allele origin: germline.

Genome-Nilou Lab
Classification: Likely benign for Osteogenesis imperfecta type 8. Last evaluated: 2023-04-11. Review status: criteria provided, single submitter. Criteria: ACMG Guidelines, 2015. Collection method: clinical testing. Allele origin: germline. Affected: no.

GeneDx
Classification: Likely benign. Last evaluated: 2018-03-01. Review status: criteria provided, single submitter. Criteria: GeneDx Variant Classification (06012015). Collection method: clinical testing. Allele origin: germline. Affected: yes.
Comment: This variant is considered likely benign or benign based on one or more of the following criteria: it is a conservative change, it occurs at a poorly conserved position in the protein, it is predicted to be benign by multiple in silico algorithms, and/or has population frequency not consistent with disease.

PreventionGenetics, part of Exact Sciences
Classification: Likely benign for P3H1-related condition. Last evaluated: 2023-04-29. Review status: no assertion criteria provided. Collection method: clinical testing. Allele origin: germline. Not counted in ClinVar's aggregate classification.
Comment: This variant is classified as likely benign based on ACMG/AMP sequence variant interpretation guidelines (Richards et al. 2015 PMID: 25741868, with internal and published modifications).

NM_022356.4(P3H1):c.1425C>T (p.Asp475=)

Gene: P3H1 (prolyl 3-hydroxylase 1; minus strand). Cytogenetic location: 1p34.2.
Variant type: single nucleotide variant.
Coding change: c.1425C>T on transcript NM_022356.4 (MANE Select); coding-DNA position 1425, C replaced by T.
Protein change: p.Asp475=; no amino-acid change (aspartic acid 475 retained).
Molecular consequence: synonymous variant.
Genome position (GRCh38, 1-based): chr1:42,752,585, G>A on the plus strand (C>T on the coding strand, the complement: P3H1 is on the minus strand). VCF-style: chr1-42752585-G-A. GRCh37 (hg19) VCF-style: chr1-43218256-G-A.
Other names: c.1425C>T, p.Asp475= (NM_001146289.2, NM_001243246.2).
Identifiers: ClinVar variation 515888 (VCV000515888.14), dbSNP rs373467876, ClinGen allele CA801851.